The following is an entry in ClinVar:

NM_004360.5(CDH1):c.1995C>T (p.Ile665=)

Gene: CDH1 (cadherin 1; plus strand). Cytogenetic location: 16q22.1.
Variant type: single nucleotide variant.
Coding change: c.1995C>T on transcript NM_004360.5 (MANE Select); coding-DNA position 1995, C replaced by T.
Protein change: p.Ile665=; no amino-acid change (isoleucine 665 retained).
Molecular consequence: synonymous variant.
Genome position (GRCh38, 1-based): chr16:68,823,457, C>T. VCF-style: chr16-68823457-C-T. GRCh37 (hg19) VCF-style: chr16-68857360-C-T.
Other names: c.1812C>T, p.Ile604= (NM_001317184.2); c.447C>T, p.Ile149= (NM_001317185.2); c.30C>T, p.Ile10= (NM_001317186.2).
Identifiers: ClinVar variation 3378585 (VCV003378585.1).
Genomic context (GRCh38, chr16:68,823,457, plus strand): 5'-AGCCCAAGAATCTATCATTTTGAAGCCAAAGATGGCCTTAGAGGTGGGTGACTACAAAAT[C>T]AATCTCAAGCTCATGGATAACCAGAATAAAGACCAAGTGACCACCTTAGAGGTCAGCGTG-3'
Protein context (NP_004351.1, residues 655-675): KMALEVGDYK[Ile665=]NLKLMDNQNK

ClinVar aggregate classification (germline): Benign (1 of 4 stars; one submission).

Conditions:
Hereditary diffuse gastric adenocarcinoma (HDGC). Also called: DIFFUSE GASTRIC AND LOBULAR BREAST CANCER SYNDROME. Identifiers: Orphanet 26106, MedGen C1708349, MONDO:0007648, OMIM 137215.

gnomAD v4.1: 1 of 1,614,044 alleles (0.000062%); highest among the groups gnomAD compares: Non-Finnish European, 0.000085%; no homozygotes.

Submission:

Myriad Genetics, Inc.
Classification: Benign for Hereditary diffuse gastric adenocarcinoma. Last evaluated: 2024-09-20. Review status: criteria provided, single submitter. Criteria: Myriad Autosomal Dominant, Autosomal Recessive and X-Linked Classification Criteria (2023). Collection method: clinical testing. Allele origin: unknown.
Comment: This variant is considered benign. This variant is a silent/synonymous amino acid change and it is not expected to impact splicing.